The following is an entry in ClinVar:

ClinVar aggregate classification (germline): Benign/Likely benign. Review status: criteria provided, multiple submitters, no conflicts (2 of 4 stars). 5 submissions from 4 submitters: Benign (2); Likely benign (3). Last evaluated 2026-02-04.

Conditions:
Autosomal dominant familial hematuria-retinal arteriolar tortuosity-contractures syndrome. Also called: Hereditary Angiopathy with Nephropathy, Aneurysms, and Muscle Cramps (HANAC) Syndrome; Angiopathy, hereditary, with nephropathy, aneurysms, and muscle cramps. Identifiers: Orphanet 73229, MedGen C2673195, MONDO:0012726, OMIM 611773.
Brain small vessel disease 1 with or without ocular anomalies (BSVD1). Also called: PORENCEPHALY, TYPE 1, AUTOSOMAL DOMINANT; Brain small vessel disease with or without ocular anomalies; GOULD SYNDROME 1; BRAIN SMALL VESSEL DISEASE WITH HEMORRHAGE. Identifiers: Orphanet 2940, Orphanet 36383, Orphanet 99810, MedGen C4755307, MONDO:0008289, OMIM 175780.

Allele frequency attached by ClinVar (database versions not stated): TOPMed 0.00007; gnomAD 0.00009 and 0.00010; gnomAD exomes 0.00011 and 0.00016; ExAC 0.00014; ESP Exome Variant Server 0.00015.
gnomAD v4.1: 243 of 1,613,568 alleles (0.015%); highest among the groups gnomAD compares: Non-Finnish European, 0.019%; no homozygotes.

Submissions (5):

Labcorp Genetics (formerly Invitae), Labcorp
Classification: Likely benign. Last evaluated: 2026-02-04. Review status: criteria provided, single submitter. Criteria: Invitae Variant Classification Sherloc (09022015). Collection method: clinical testing. Allele origin: germline.

Blueprint Genetics
Classification: Likely benign. Last evaluated: 2024-08-29. Review status: criteria provided, single submitter. Criteria: ACMG Guidelines, 2015. Collection method: clinical testing. Allele origin: germline.

GeneDx
Classification: Likely benign. Last evaluated: 2021-04-27. Review status: criteria provided, single submitter. Criteria: GeneDx Variant Classification Process June 2021. Collection method: clinical testing. Allele origin: germline. Affected: yes.
Comment: See Variant Classification Assertion Criteria.

Illumina Laboratory Services, Illumina
Classification: Benign for Brain small vessel disease 1 with or without ocular anomalies. Last evaluated: 2018-01-12. Review status: criteria provided, single submitter. Criteria: ICSL Variant Classification Criteria 13 December 2019. Collection method: clinical testing. Allele origin: germline.
Comment: This variant was observed in the ICSL laboratory as part of a predisposition screen in an ostensibly healthy population. It had not been previously curated by ICSL or reported in the Human Gene Mutation Database (HGMD: prior to June 1st, 2018), and was therefore a candidate for classification through an automated scoring system. Utilizing variant allele frequency, disease prevalence and penetrance estimates, and inheritance mode, an automated score was calculated to assess if this variant is too frequent to cause the disease. Based on the score and internal cut-off values, a variant classified as benign is not then subjected to further curation. The score for this variant resulted in a classification of benign for this disease.

Illumina Laboratory Services, Illumina
Classification: Benign for Autosomal dominant familial hematuria-retinal arteriolar tortuosity-contractures syndrome. Last evaluated: 2018-01-12. Review status: criteria provided, single submitter. Criteria: ICSL Variant Classification Criteria 13 December 2019. Collection method: clinical testing. Allele origin: germline.
Comment: the same text as in the submission from Illumina Laboratory Services, Illumina above.

NM_001845.6(COL4A1):c.280-12C>T

Gene: COL4A1 (collagen type IV alpha 1 chain; minus strand). Cytogenetic location: 13q34.
Variant type: single nucleotide variant.
Coding change: c.280-12C>T on transcript NM_001845.6 (MANE Select); 12 bases into the intron before coding-DNA position 280, C replaced by T.
Molecular consequence: intron variant.
Genome position (GRCh38, 1-based): chr13:110,212,630, G>A on the plus strand (C>T on the coding strand, the complement: COL4A1 is on the minus strand). VCF-style: chr13-110212630-G-A. GRCh37 (hg19) VCF-style: chr13-110864977-G-A.
Other names: c.280-12C>T (NM_001303110.2).
Identifiers: ClinVar variation 311082 (VCV000311082.18), dbSNP rs200121908, ClinGen allele CA7048589.